The following is an entry in ClinVar:

ClinVar aggregate classification (germline): Benign. Review status: criteria provided, multiple submitters, no conflicts (2 of 4 stars). 3 submissions from 3 submitters: Benign (3). Last evaluated 2024-07-15.

Allele frequency attached by ClinVar (database versions not stated): TOPMed 0.65921; gnomAD 0.67746; 1000 Genomes Project 30x 0.70128; gnomAD exomes 0.70772; 1000 Genomes Project 0.70907.
gnomAD v4.1: 998,789 of 1,421,714 alleles (70%); highest among the groups gnomAD compares: East Asian, 90%; 353,248 homozygotes.

Submissions (3):

Unidad de Genómica Garrahan, Hospital de Pediatría Garrahan
Classification: Benign. Last evaluated: 2024-07-15. Review status: criteria provided, single submitter. Criteria: ACMG Guidelines, 2015. Collection method: clinical testing. Allele origin: germline. Affected: no. Observed: 75 variant alleles.
Comment: This variant is classified as Benign based on local population frequency. This variant was detected in 81% of patients studied in a panel designed for Epileptic and Developmental Encephalopathy and Progressive Myoclonus Epilepsy. Number of patients: 75. Only high quality variants are reported.

GeneDx
Classification: Benign. Last evaluated: 2018-06-14. Review status: criteria provided, single submitter. Criteria: GeneDx Variant Classification (06012015). Collection method: clinical testing. Allele origin: germline. Affected: yes.
Comment: This variant is considered likely benign or benign based on one or more of the following criteria: it is a conservative change, it occurs at a poorly conserved position in the protein, it is predicted to be benign by multiple in silico algorithms, and/or has population frequency not consistent with disease.

Breakthrough Genomics
Classification: Benign. Review status: criteria provided, single submitter. Criteria: ACMG Guidelines, 2015. Collection method: not provided. Allele origin: germline. Inheritance: Autosomal dominant inheritance. Affected: yes.

NM_001165963.4(SCN1A):c.603-106G>T

Gene: SCN1A (sodium voltage-gated channel alpha subunit 1; minus strand). Cytogenetic location: 2q24.3.
Variant type: single nucleotide variant.
Coding change: c.603-106G>T on transcript NM_001165963.4 (MANE Select); 106 bases into the intron before coding-DNA position 603, G replaced by T.
Molecular consequence: intron variant.
Genome position (GRCh38, 1-based): chr2:166,053,049, C>A on the plus strand (G>T on the coding strand, the complement: SCN1A is on the minus strand). VCF-style: chr2-166053049-C-A. GRCh37 (hg19) VCF-style: chr2-166909559-C-A.
Other names: c.603-106G>T (NM_001353949.2, NM_001353958.2, NM_001353950.2 and 10 more transcripts); c.-1823-106G>T (NM_001353961.2).
Identifiers: ClinVar variation 674938 (VCV000674938.4), dbSNP rs3812719, ClinGen allele CA11131129.